The following is an entry in ClinVar:

NM_000455.5(STK11):c.558del (p.Gly187fs)

Gene: STK11 (serine/threonine kinase 11; plus strand). Cytogenetic location: 19p13.3.
Variant type: Deletion.
Coding change: c.558del on transcript NM_000455.5 (MANE Select); coding-DNA position 558, one base deleted (C; older notation c.558delC).
Protein change: p.Gly187fs; shifts the reading frame from glycine 187.
Molecular consequence: frameshift variant. On other transcripts: non-coding transcript variant (1).
Genome position (GRCh38, 1-based): chr19:1,220,466, C deleted; the last of 2 consecutive C bases (chr19:1,220,465-1,220,466); deleting either gives the same sequence. VCF-style (leftmost placement, unchanged base first): chr19-1220464-AC-A. GRCh37 (hg19) VCF-style: chr19-1220463-AC-A.
Other names: c.558del, p.Gly187fs (NM_001407255.1); short protein forms G187fs.
Identifiers: ClinVar variation 3963262 (VCV003963262.1).
Genomic context (GRCh38, chr19:1,220,464, plus strand): 5'-TACCTGCATAGCCAGGGCATTGTGCACAAGGACATCAAGCCGGGGAACCTGCTGCTCACC[AC>A]CGGTGGCACCCTCAAAATCTCCGACCTGGGCGTGGCCGAGGTAGGCACGTGCTAGGGGGG-3'

ClinVar aggregate classification (germline): Pathogenic (1 of 4 stars; one submission).

Conditions:
Hereditary cancer-predisposing syndrome. Also called: Tumor predisposition; Hereditary neoplastic syndrome; Hereditary Cancer Syndrome; Neoplastic Syndromes, Hereditary. Identifiers: Orphanet 140162, MedGen C0027672, MeSH D009386, MONDO:0015356.

Submission:

Ambry Genetics
Classification: Pathogenic for Hereditary cancer-predisposing syndrome. Last evaluated: 2025-05-05. Review status: criteria provided, single submitter. Criteria: Ambry Variant Classification Scheme 2023. Collection method: clinical testing. Allele origin: germline.
Comment: The c.558delC pathogenic mutation, located in coding exon 4 of the STK11 gene, results from a deletion of one nucleotide at nucleotide position 558, causing a translational frameshift with a predicted alternate stop codon (p.G187Vfs*100). This variant was reported in individual(s) with features consistent with Peutz-Jeghers syndrome (Ambry internal data). This variant is considered to be rare based on population cohorts in the Genome Aggregation Database (gnomAD). This alteration is expected to result in loss of function by premature protein truncation or nonsense-mediated mRNA decay. As such, this alteration is interpreted as a disease-causing mutation.